The following is an entry in ClinVar:

NM_001283009.2(RTEL1):c.3823G>T (p.Ala1275Ser)

Genes: RTEL1 (regulator of telomere elongation helicase 1; plus strand), RTEL1-TNFRSF6B (RTEL1-TNFRSF6B readthrough (NMD candidate); plus strand). Cytogenetic location: 20q13.33.
Variant type: single nucleotide variant.
Coding change: c.3823G>T on transcript NM_001283009.2 (MANE Select); coding-DNA position 3823, G replaced by T.
Protein change: p.Ala1275Ser; replaces alanine 1275 with serine.
Molecular consequence: missense variant. On other transcripts: non-coding transcript variant (1).
Genome position (GRCh38, 1-based): chr20:63,695,778, G>T. VCF-style: chr20-63695778-G-T. GRCh37 (hg19) VCF-style: chr20-62327131-G-T.
Other names: c.2984G>T, p.Gly995Val (NM_001283010.1); c.3653G>T, p.Gly1218Val (NM_016434.4); c.3725G>T, p.Gly1242Val (NM_032957.5); short protein forms A1275S, G1218V, G1242V, G995V.
Identifiers: ClinVar variation 967159 (VCV000967159.7), dbSNP rs2090966039, ClinGen allele CA409710396.

ClinVar aggregate classification (germline): Uncertain significance. Review status: criteria provided, multiple submitters, no conflicts (2 of 4 stars). 3 submissions from 3 submitters: Uncertain significance (2). 1 of the submissions does not count toward it. Last evaluated 2025-04-20.

Conditions:
Inborn genetic diseases. Identifiers: MedGen C0950123, MeSH D030342.
Dyskeratosis congenita, autosomal recessive 5 (DKCB5). Identifiers: MedGen C3554656, MONDO:0014076, OMIM 615190.
Pulmonary fibrosis and/or bone marrow failure, Telomere-related, 3. Also called: PULMONARY FIBROSIS AND/OR BONE MARROW FAILURE SYNDROME, TELOMERE-RELATED, 3. Identifiers: Orphanet 2032, MedGen C4225346, MONDO:0014613, OMIM 616373.
Dyskeratosis congenita. Identifiers: Orphanet 1775, MedGen C0265965, MONDO:0015780.

gnomAD v4.1: 1 of 1,591,220 alleles (0.000063%); highest among the groups gnomAD compares: Non-Finnish European, 0.000085%; no homozygotes.

Submissions (3):

Ambry Genetics
Classification: Uncertain significance for Inborn genetic diseases. Last evaluated: 2025-04-20. Review status: criteria provided, single submitter. Criteria: Ambry Variant Classification Scheme 2023. Collection method: clinical testing. Allele origin: germline.
Comment: The p.A1275S variant (also known as c.3823G>T) is located in coding exon 34 of the RTEL1 gene. The alanine at codon 1275 is replaced by serine, an amino acid with similar properties. This change occurs in the first base pair of coding exon 34. This amino acid position is conserved. In addition, the in silico prediction for this alteration is inconclusive. Based on the available evidence, the clinical significance of this variant remains unclear.

Labcorp Genetics (formerly Invitae), Labcorp
Classification: Uncertain significance for Dyskeratosis congenita, autosomal recessive 5; Pulmonary fibrosis and/or bone marrow failure, Telomere-related, 3. Last evaluated: 2022-07-12. Review status: criteria provided, single submitter. Criteria: Invitae Variant Classification Sherloc (09022015). Collection method: clinical testing. Allele origin: germline.
Comment: This sequence change replaces alanine, which is neutral and non-polar, with serine, which is neutral and polar, at codon 1275 of the RTEL1 protein (p.Ala1275Ser). This variant is not present in population databases (gnomAD no frequency). This variant has not been reported in the literature in individuals affected with RTEL1-related conditions. ClinVar contains an entry for this variant (Variation ID: 967159). Algorithms developed to predict the effect of missense changes on protein structure and function output the following: SIFT: "Tolerated"; PolyPhen-2: "Benign"; Align-GVGD: "Class C0". The serine amino acid residue is found in multiple mammalian species, which suggests that this missense change does not adversely affect protein function. In summary, the available evidence is currently insufficient to determine the role of this variant in disease. Therefore, it has been classified as a Variant of Uncertain Significance.

Natera, Inc.
Classification: Uncertain significance for Dyskeratosis congenita. Last evaluated: 2020-08-10. Review status: no assertion criteria provided. Collection method: clinical testing. Allele origin: germline. Not counted in ClinVar's aggregate classification.